The following is an entry in ClinVar:

ClinVar aggregate classification (germline): Pathogenic/Likely pathogenic. Review status: criteria provided, multiple submitters, no conflicts (2 of 4 stars). 4 submissions from 4 submitters: Pathogenic (1); Likely pathogenic (1). 2 of the submissions do not count toward it. Last evaluated 2025-11-11.

Conditions:
Premature ovarian failure 15. Identifiers: MedGen C4748170, MONDO:0054862, OMIM 618096.
FANCM-related disorder. Also called: FANCM-related condition.
Fanconi anemia (FA). Also called: Fanconi's anemia. Identifiers: Orphanet 84, MedGen C0015625, MeSH D005199, MONDO:0019391.

Allele frequency attached by ClinVar (database versions not stated): gnomAD exomes below 0.00001; ExAC 0.00001; gnomAD 0.00001; TOPMed 0.00001.
gnomAD v4.1: 8 of 1,613,716 alleles (0.0005%); highest among the groups gnomAD compares: African/African-American, 0.0027%; no homozygotes.

Submissions (4):

Labcorp Genetics (formerly Invitae), Labcorp
Classification: Pathogenic for Fanconi anemia. Last evaluated: 2025-11-11. Review status: criteria provided, single submitter. Criteria: Invitae Variant Classification Sherloc (09022015). Collection method: clinical testing. Allele origin: germline.
Comment: This sequence change creates a premature translational stop signal (p.Arg1030*) in the FANCM gene. It is expected to result in an absent or disrupted protein product. Loss-of-function variants in FANCM are known to be pathogenic (PMID: 29895858, 30075111). This variant is present in population databases (rs759378949, gnomAD 0.0009%). This premature translational stop signal has been observed in individual(s) with breast cancer (PMID: 28033443, 31991861). ClinVar contains an entry for this variant (Variation ID: 2052771). For these reasons, this variant has been classified as Pathogenic.

GeneDx
Classification: Likely pathogenic. Last evaluated: 2023-11-28. Review status: criteria provided, single submitter. Criteria: GeneDx Variant Classification Process June 2021. Collection method: clinical testing. Allele origin: germline. Affected: yes.
Comment: Nonsense variant predicted to result in protein truncation or nonsense mediated decay in a gene for which loss of function is a known mechanism of disease; Not observed at significant frequency in large population cohorts (gnomAD); This variant is associated with the following publications: (PMID: 28033443, 32427313, 37669135, 31991861, 29625052, 36451132, 33036707, 37444426)

OMIM
Classification: Pathogenic for PREMATURE OVARIAN FAILURE 15. Last evaluated: 2024-07-23. Review status: no assertion criteria provided. Collection method: literature only. Allele origin: germline. Not counted in ClinVar's aggregate classification.

PreventionGenetics, part of Exact Sciences
Classification: Pathogenic for FANCM-related condition. Last evaluated: 2024-05-14. Review status: no assertion criteria provided. Collection method: clinical testing. Allele origin: germline. Not counted in ClinVar's aggregate classification.
Comment: The FANCM c.3088C>T variant is predicted to result in premature protein termination (p.Arg1030*). This variant has been reported in the heterozygous state in individuals with breast cancer (eTable 1, Neidhardt et al. 2017. PubMed ID: 28033443; Supplementary Table 3, Palmer et al. 2020. PubMed ID: 32427313; Figioli et al. 2023. PubMed ID: 37444426) and in an individual with skin cutaneous melanoma (Huang et al. 2018. PubMed ID: 29625052 ). It has also been reported with a second FANCM variant in an individual with breast cancer (Figlioli et al. 2020. PubMed ID: 31991861) and an individual with premature ovarian insufficiency (Jaillard et al. 2020. PubMed ID: 33036707). This variant is reported in 0.00089% of alleles in individuals of European (non-Finnish) descent in gnomAD. Nonsense variants in FANCM are expected to be pathogenic. This variant is interpreted as pathogenic.

Literature cited by the submitters: PubMed 29895858 (cited by Labcorp Genetics (formerly Invitae), Labcorp); PubMed 30075111 (cited by Labcorp Genetics (formerly Invitae), Labcorp); PubMed 28033443 (cited by Labcorp Genetics (formerly Invitae), Labcorp); PubMed 31991861 (cited by Labcorp Genetics (formerly Invitae), Labcorp); PubMed 33036707 (cited by OMIM).

NM_020937.4(FANCM):c.3088C>T (p.Arg1030Ter)

Gene: FANCM (FA complementation group M; plus strand). Cytogenetic location: 14q21.2.
Variant type: single nucleotide variant.
Coding change: c.3088C>T on transcript NM_020937.4 (MANE Select); coding-DNA position 3088, C replaced by T.
Protein change: p.Arg1030Ter; replaces arginine 1030 with a stop codon.
Molecular consequence: nonsense.
Genome position (GRCh38, 1-based): chr14:45,175,842, C>T. VCF-style: chr14-45175842-C-T. GRCh37 (hg19) VCF-style: chr14-45645045-C-T.
Other names: FANCM, ARG1030TER (rs759378949); c.3010C>T, p.Arg1004Ter (NM_001308133.2); short protein forms R1004*, R1030*.
Identifiers: ClinVar variation 2052771 (VCV002052771.6), dbSNP rs759378949, ClinGen allele CA7169463.
Genomic context (GRCh38, chr14:45,175,842, plus strand): 5'-GAAATTGCTAAGGGTACTGCACTTGAGAATTTGCTTTTCTTACCCTGTGCAGAGCATTTA[C>T]GAAGTGATAAATGCACCTGTTTGCTGTCACATTCAGCTGTGAATTCTCAACAGAATTTAG-3'